The following is an entry in ClinVar:

NM_001164508.2(NEB):c.20369T>A (p.Ile6790Asn)

Gene: NEB (nebulin; minus strand). Cytogenetic location: 2q23.3.
Variant type: single nucleotide variant.
Coding change: c.20369T>A on transcript NM_001164508.2 (MANE Select); coding-DNA position 20369, T replaced by A.
Protein change: p.Ile6790Asn; replaces isoleucine 6790 with asparagine.
Molecular consequence: missense variant.
Genome position (GRCh38, 1-based): chr2:151,546,442, A>T on the plus strand (T>A on the coding strand, the complement: NEB is on the minus strand). VCF-style: chr2-151546442-A-T. GRCh37 (hg19) VCF-style: chr2-152402956-A-T.
Other names: c.20369T>A, p.Ile6790Asn (NM_001164507.2, NM_001271208.2); c.15266T>A, p.Ile5089Asn (NM_004543.5); short protein forms I5089N, I6790N.
Identifiers: ClinVar variation 1903261 (VCV001903261.5), dbSNP rs2552174561, ClinGen allele CA348781326.

ClinVar aggregate classification (germline): Uncertain significance (1 of 4 stars; one submission).

Conditions:
Nemaline myopathy 2 (NEM2). Also called: Nemaline myopathy 2, autosomal recessive. Identifiers: MedGen C1850569, MONDO:0009725, OMIM 256030.

Submission:

Labcorp Genetics (formerly Invitae), Labcorp
Classification: Uncertain significance for Nemaline myopathy 2. Last evaluated: 2022-08-19. Review status: criteria provided, single submitter. Criteria: Invitae Variant Classification Sherloc (09022015). Collection method: clinical testing. Allele origin: germline.
Comment: This sequence change replaces isoleucine, which is neutral and non-polar, with asparagine, which is neutral and polar, at codon 6790 of the NEB protein (p.Ile6790Asn). This variant is not present in population databases (gnomAD no frequency). This variant has not been reported in the literature in individuals affected with NEB-related conditions. Algorithms developed to predict the effect of missense changes on protein structure and function are either unavailable or do not agree on the potential impact of this missense change (SIFT: "Deleterious"; PolyPhen-2: "Not Available"; Align-GVGD: "Class C0"). In summary, the available evidence is currently insufficient to determine the role of this variant in disease. Therefore, it has been classified as a Variant of Uncertain Significance.